The following is an entry in ClinVar:

ClinVar aggregate classification (germline): Uncertain significance (1 of 4 stars; one submission).

Conditions:
Familial thoracic aortic aneurysm and aortic dissection (TAAD). Also called: Thoracic aortic aneurysms and dissections. Identifiers: Orphanet 91387, MedGen C4707243, MONDO:0019625.

Submission:

Color Diagnostics, LLC DBA Color Health
Classification: Uncertain significance for Familial thoracic aortic aneurysm and aortic dissection. Last evaluated: 2023-12-04. Review status: criteria provided, single submitter. Criteria: ACMG Guidelines, 2015. Collection method: clinical testing. Allele origin: germline.
Comment: Variant of Uncertain Significance due to insufficient evidence: This missense variant is located in the calcium-binding EGF-like motif 45 of the FBN1 protein. Computational prediction tools and conservation analyses are inconclusive regarding the impact of this variant on the protein function. Computational splicing tools suggest that this variant may not impact RNA splicing. To our knowledge, functional assays have not been performed for this variant nor has this variant been reported in individuals affected with cardiovascular disorders in the literature. This variant is rare in the general population and has been identified in 0/277264 chromosomes by the Genome Aggregation Database (gnomAD). Available evidence is insufficient to determine the pathogenicity of this variant conclusively.

NM_000138.5(FBN1):c.7804T>C (p.Trp2602Arg)

Gene: FBN1 (fibrillin 1; minus strand). Cytogenetic location: 15q21.1.
Variant type: single nucleotide variant.
Coding change: c.7804T>C on transcript NM_000138.5 (MANE Select); coding-DNA position 7804, T replaced by C.
Protein change: p.Trp2602Arg; replaces tryptophan 2602 with arginine.
Molecular consequence: missense variant.
Genome position (GRCh38, 1-based): chr15:48,420,702, A>G on the plus strand (T>C on the coding strand, the complement: FBN1 is on the minus strand). VCF-style: chr15-48420702-A-G. GRCh37 (hg19) VCF-style: chr15-48712899-A-G.
Other names: short protein forms W2602R.
Identifiers: ClinVar variation 923404 (VCV000923404.5), dbSNP rs2042933803, ClinGen allele CA392324466.